The following is an entry in ClinVar:

NM_000138.5(FBN1):c.1518C>G (p.Asn506Lys)

Gene: FBN1 (fibrillin 1; minus strand). Cytogenetic location: 15q21.1.
Variant type: single nucleotide variant.
Coding change: c.1518C>G on transcript NM_000138.5 (MANE Select); coding-DNA position 1518, C replaced by G.
Protein change: p.Asn506Lys; replaces asparagine 506 with lysine.
Molecular consequence: missense variant.
Genome position (GRCh38, 1-based): chr15:48,513,619, G>C on the plus strand (C>G on the coding strand, the complement: FBN1 is on the minus strand). VCF-style: chr15-48513619-G-C. GRCh37 (hg19) VCF-style: chr15-48805816-G-C.
Other names: c.1518C>G, p.Asn506Lys (NM_001406716.1); short protein forms N506K.
Identifiers: ClinVar variation 2628679 (VCV002628679.1), dbSNP rs2505613898, ClinGen allele CA392342549.
Genomic context (GRCh38, chr15:48,513,619, plus strand): 5'-TGTCCGCGTGAGTGTGCTCTGATATCCAGCTCGGCACTGACAGGTGTACGAACCCTGGTT[G>C]TTAATACACTCACCACCAGCACAGGGGTTTTTCTCACATTCATCAACATCTGCAAAGCAC-3'
Protein context (NP_000129.3, residues 496-516): KNPCAGGECI[Asn506Lys]NQGSYTCQCR

ClinVar aggregate classification (germline): Uncertain significance (1 of 4 stars; one submission).

Conditions:
FBN1-related disorder. Also called: FBN1-related disorders.

Submission:

PreventionGenetics, part of Exact Sciences
Classification: Uncertain significance for FBN1-related condition. Last evaluated: 2022-10-31. Review status: criteria provided, single submitter. Criteria: ACMG Guidelines, 2015. Collection method: clinical testing. Allele origin: germline.
Comment: The FBN1 c.1518C>G variant is predicted to result in the amino acid substitution p.Asn506Lys. To our knowledge, this variant has not been reported in the literature or in a large population database, indicating this variant is rare. At this time, the clinical significance of this variant is uncertain due to the absence of conclusive functional and genetic evidence.